The following is an entry in ClinVar:

NM_001130438.3(SPTAN1):c.3133C>T (p.Arg1045Trp)

Gene: SPTAN1 (spectrin alpha, non-erythrocytic 1; plus strand). Cytogenetic location: 9q34.11.
Variant type: single nucleotide variant.
Coding change: c.3133C>T on transcript NM_001130438.3 (MANE Select); coding-DNA position 3133, C replaced by T.
Protein change: p.Arg1045Trp; replaces arginine 1045 with tryptophan.
Molecular consequence: missense variant.
Genome position (GRCh38, 1-based): chr9:128,591,603, C>T. VCF-style: chr9-128591603-C-T. GRCh37 (hg19) VCF-style: chr9-131353882-C-T.
Other names: c.3133C>T, p.Arg1045Trp (NM_001195532.2, NM_001363759.2, NM_001363765.2 and 1 more transcripts); short protein forms R1045W.
Identifiers: ClinVar variation 195664 (VCV000195664.19), dbSNP rs794727356, ClinGen allele CA242181.

ClinVar aggregate classification (germline): Conflicting classifications of pathogenicity. Review status: criteria provided, conflicting classifications (1 of 4 stars). 5 submissions from 5 submitters: Uncertain significance (3); Likely benign (1). 1 of the submissions does not count toward it. Last evaluated 2024-07-31.

Conditions:
Early-infantile DEE. Also called: Early infantile epileptic encephalopathy with suppression bursts; Early infantile epileptic encephalopathy; Ohtahara syndrome. Identifiers: Orphanet 1934, MedGen C0393706, MONDO:0800491.
Inborn genetic diseases. Identifiers: MedGen C0950123, MeSH D030342.
Landau-Kleffner syndrome (FESD). Also called: EPILEPSY, FOCAL, WITH SPEECH DISORDER AND WITH OR WITHOUT MENTAL RETARDATION; APHASIA, ACQUIRED, WITH EPILEPSY. Identifiers: Orphanet 1945, Orphanet 725, Orphanet 98818, MedGen C0282512, MONDO:0009509, OMIM 245570.
Developmental and epileptic encephalopathy, 5 (DEE5). Identifiers: Orphanet 3451, MedGen C3150731, MONDO:0013277, OMIM 613477.

Allele frequency attached by ClinVar (database versions not stated): TOPMed below 0.00001; gnomAD 0.00001; gnomAD exomes 0.00001 and 0.00002.
gnomAD v4.1: 34 of 1,614,022 alleles (0.0021%); highest among the groups gnomAD compares: East Asian, 0.0045%; no homozygotes.

Submissions (5):

Labcorp Genetics (formerly Invitae), Labcorp
Classification: Uncertain significance for Early-infantile DEE. Last evaluated: 2024-07-31. Review status: criteria provided, single submitter. Criteria: Invitae Variant Classification Sherloc (09022015). Collection method: clinical testing. Allele origin: germline.
Comment: This sequence change replaces arginine, which is basic and polar, with tryptophan, which is neutral and slightly polar, at codon 1045 of the SPTAN1 protein (p.Arg1045Trp). This variant is present in population databases (rs794727356, gnomAD 0.006%). This variant has not been reported in the literature in individuals affected with SPTAN1-related conditions. ClinVar contains an entry for this variant (Variation ID: 195664). Advanced modeling of protein sequence and biophysical properties (such as structural, functional, and spatial information, amino acid conservation, physicochemical variation, residue mobility, and thermodynamic stability) has been performed at Invitae for this missense variant, however the output from this modeling did not meet the statistical confidence thresholds required to predict the impact of this variant on SPTAN1 protein function. In summary, the available evidence is currently insufficient to determine the role of this variant in disease. Therefore, it has been classified as a Variant of Uncertain Significance.

Ambry Genetics
Classification: Likely benign for Inborn genetic diseases. Last evaluated: 2023-03-31. Review status: criteria provided, single submitter. Criteria: Ambry Variant Classification Scheme 2023. Collection method: clinical testing. Allele origin: germline.

Genome-Nilou Lab
Classification: Uncertain significance for Developmental and epileptic encephalopathy, 5. Last evaluated: 2021-07-15. Review status: criteria provided, single submitter. Criteria: ACMG Guidelines, 2015. Collection method: clinical testing. Allele origin: germline. Affected: no.

Eurofins Ntd Llc (ga)
Classification: Uncertain significance. Last evaluated: 2015-01-23. Review status: criteria provided, single submitter. Criteria: EGL Classification Definitions 2015. Collection method: clinical testing. Allele origin: germline. Observed: 2 variant alleles, 2 heterozygotes.

Clinical Molecular Genetics Laboratory, Johns Hopkins All Children's Hospital
Classification: Uncertain significance for Landau-Kleffner syndrome. Last evaluated: 2017-04-05. Review status: no assertion criteria provided. Collection method: clinical testing. Allele origin: germline. Affected: yes. Not counted in ClinVar's aggregate classification.